The following is an entry in ClinVar:

NM_006204.4(PDE6C):c.2141T>A (p.Ile714Asn)

Gene: PDE6C (phosphodiesterase 6C; plus strand). Cytogenetic location: 10q23.33.
Variant type: single nucleotide variant.
Coding change: c.2141T>A on transcript NM_006204.4 (MANE Select); coding-DNA position 2141, T replaced by A.
Protein change: p.Ile714Asn; replaces isoleucine 714 with asparagine.
Molecular consequence: missense variant.
Genome position (GRCh38, 1-based): chr10:93,659,005, T>A. VCF-style: chr10-93659005-T-A. GRCh37 (hg19) VCF-style: chr10-95418762-T-A.
Other names: short protein forms I714N.
Identifiers: ClinVar variation 424958 (VCV000424958.52), dbSNP rs1064797148, ClinGen allele CA16621606.

ClinVar aggregate classification (germline): Conflicting classifications of pathogenicity. Review status: criteria provided, conflicting classifications (1 of 4 stars). 5 submissions from 5 submitters: Pathogenic (1); Likely pathogenic (2); Uncertain significance (2). Last evaluated 2024-12-10.

Conditions:
PDE6C-related disorder. Also called: PDE6C-related condition.
Achromatopsia. Also called: Rod monochromatism. Identifiers: Orphanet 49382, MedGen C0152200, MONDO:0018852, HP:0011516.
Retinal dystrophy. Also called: Inherited retinal dystrophy. Identifiers: Orphanet 71862, MedGen C0854723, MeSH D058499, MONDO:0019118, HP:0000556.

Allele frequency attached by ClinVar (database versions not stated): gnomAD exomes below 0.00001.
gnomAD v4.1: 5 of 1,585,788 alleles (0.00032%); highest among the groups gnomAD compares: Non-Finnish European, 0.00043%; no homozygotes.

Submissions (5):

Labcorp Genetics (formerly Invitae), Labcorp
Classification: Likely pathogenic. Last evaluated: 2024-12-10. Review status: criteria provided, single submitter. Criteria: Invitae Variant Classification Sherloc (09022015). Collection method: clinical testing. Allele origin: germline.
Comment: This sequence change replaces isoleucine, which is neutral and non-polar, with asparagine, which is neutral and polar, at codon 714 of the PDE6C protein (p.Ile714Asn). This variant is present in population databases (no rsID available, gnomAD 0.0009%). This missense change has been observed in individuals with achromatopsia or cone-rod dystrophy (PMID: 30080950; internal data). ClinVar contains an entry for this variant (Variation ID: 424958). Invitae Evidence Modeling of protein sequence and biophysical properties (such as structural, functional, and spatial information, amino acid conservation, physicochemical variation, residue mobility, and thermodynamic stability) has been performed for this missense variant. However, the output from this modeling did not meet the statistical confidence thresholds required to predict the impact of this variant on PDE6C protein function. In summary, the currently available evidence indicates that the variant is pathogenic, but additional data are needed to prove that conclusively. Therefore, this variant has been classified as Likely Pathogenic.

Blueprint Genetics
Classification: Pathogenic for PDE6C-related disorders. Last evaluated: 2024-05-07. Review status: criteria provided, single submitter. Criteria: ACMG Guidelines, 2015. Collection method: clinical testing. Allele origin: germline. Affected: yes. Observed: 5 variant alleles.

Molecular Genetics Laboratory, Institute for Ophthalmic Research
Classification: Uncertain significance for Achromatopsia. Last evaluated: 2017-12-01. Review status: criteria provided, single submitter. Criteria: ACMG Guidelines, 2015. Collection method: research. Allele origin: germline. Affected: yes.

CeGaT Center for Human Genetics Tuebingen
Classification: Uncertain significance. Last evaluated: 2016-09-01. Review status: criteria provided, single submitter. Criteria: CeGaT Center For Human Genetics Tuebingen Variant Classification Criteria Version 2. Collection method: clinical testing. Allele origin: germline. Affected: yes. Observed: 1 variant allele.

Institute of Human Genetics, Univ. Regensburg, Univ. Regensburg
Classification: Likely pathogenic for Retinal dystrophy. Last evaluated: 2016-01-01. Review status: criteria provided, single submitter. Criteria: ACMG Guidelines, 2015. Collection method: clinical testing. Allele origin: germline. Affected: yes.

Literature cited by the submitters: PubMed 30080950 (cited by Labcorp Genetics (formerly Invitae), Labcorp and Institute of Human Genetics, Univ. Regensburg, Univ. Regensburg); PubMed 32531858 (cited by Institute of Human Genetics, Univ. Regensburg, Univ. Regensburg).